The following is an entry in ClinVar:

NM_177438.3(DICER1):c.3207G>C (p.Glu1069Asp)

Gene: DICER1 (dicer 1, ribonuclease III; minus strand). Cytogenetic location: 14q32.13.
Variant type: single nucleotide variant.
Coding change: c.3207G>C on transcript NM_177438.3 (MANE Select); coding-DNA position 3207, G replaced by C.
Protein change: p.Glu1069Asp; replaces glutamic acid 1069 with aspartic acid.
Molecular consequence: missense variant.
Genome position (GRCh38, 1-based): chr14:95,105,133, C>G on the plus strand (G>C on the coding strand, the complement: DICER1 is on the minus strand). VCF-style: chr14-95105133-C-G. GRCh37 (hg19) VCF-style: chr14-95571470-C-G.
Other names: c.3207G>C, p.Glu1069Asp (NM_001195573.1, NM_001271282.3, NM_001291628.2 and 1 more transcripts); short protein forms E1069D.
Identifiers: ClinVar variation 1384499 (VCV001384499.9), dbSNP rs2139986453, ClinGen allele CA390876519.
Genomic context (GRCh38, chr14:95,105,133, plus strand): 5'-AAAATCCGCAGGAAGTGATCTGACTCCCACGCCAGCATCGCTGGCAGTCTGGGCTCTTAG[C>G]TCCTCTGCAGTCAAAAGGCAGTGAAGGCGATAAAGTATGCTGGGGAGACAAACAGCTTTT-3'
Protein context (NP_803187.1, residues 1059-1079): YRLHCLLTAE[Glu1069Asp]LRAQTASDAG

ClinVar aggregate classification (germline): Uncertain significance (1 of 4 stars; one submission).

Conditions:
DICER1-related tumor predisposition. Also called: DICER1 syndrome; DICER1-related pleuropulmonary blastoma cancer predisposition syndrome. Identifiers: Orphanet 284343, MedGen C3839822, MONDO:0100216.

Submission:

Labcorp Genetics (formerly Invitae), Labcorp
Classification: Uncertain significance for DICER1-related tumor predisposition. Last evaluated: 2021-04-04. Review status: criteria provided, single submitter. Criteria: Invitae Variant Classification Sherloc (09022015). Collection method: clinical testing. Allele origin: germline.
Comment: This variant has not been reported in the literature in individuals with DICER1-related conditions. In summary, the available evidence is currently insufficient to determine the role of this variant in disease. Therefore, it has been classified as a Variant of Uncertain Significance. Algorithms developed to predict the effect of missense changes on protein structure and function are either unavailable or do not agree on the potential impact of this missense change (SIFT: "Tolerated"; PolyPhen-2: "Probably Damaging"; Align-GVGD: "Class C0"). This variant is not present in population databases (ExAC no frequency). This sequence change replaces glutamic acid with aspartic acid at codon 1069 of the DICER1 protein (p.Glu1069Asp). The glutamic acid residue is highly conserved and there is a small physicochemical difference between glutamic acid and aspartic acid.